The following is an entry in ClinVar:

NM_001379081.2(FREM1):c.2486G>C (p.Gly829Ala)

Gene: FREM1 (FRAS1 related extracellular matrix 1; minus strand). Cytogenetic location: 9p22.3.
Variant type: single nucleotide variant.
Coding change: c.2486G>C on transcript NM_001379081.2 (MANE Select); coding-DNA position 2486, G replaced by C.
Protein change: p.Gly829Ala; replaces glycine 829 with alanine.
Molecular consequence: missense variant. On other transcripts: non-coding transcript variant (2).
Genome position (GRCh38, 1-based): chr9:14,819,294, C>G on the plus strand (G>C on the coding strand, the complement: FREM1 is on the minus strand). VCF-style: chr9-14819294-C-G. GRCh37 (hg19) VCF-style: chr9-14819292-C-G.
Other names: c.2486G>C, p.Gly829Ala (NM_144966.7); short protein forms G829A.
Identifiers: ClinVar variation 3343621 (VCV003343621.2).

ClinVar aggregate classification (germline): Uncertain significance. Review status: criteria provided, multiple submitters, no conflicts (2 of 4 stars). 2 submissions from 2 submitters: Uncertain significance (2). Last evaluated 2025-06-29.

Conditions:
Inborn genetic diseases. Identifiers: MedGen C0950123, MeSH D030342.

gnomAD v4.1: 24 of 1,613,812 alleles (0.0015%); highest among the groups gnomAD compares: Admixed American, 0.0067%; no homozygotes.

Submissions (2):

Ambry Genetics
Classification: Uncertain significance for Inborn genetic diseases. Last evaluated: 2025-06-29. Review status: criteria provided, single submitter. Criteria: Ambry Variant Classification Scheme 2023. Collection method: clinical testing. Allele origin: germline.

GeneDx
Classification: Uncertain significance. Last evaluated: 2023-05-16. Review status: criteria provided, single submitter. Criteria: GeneDx Variant Classification Process June 2021. Collection method: clinical testing. Allele origin: germline. Affected: yes.
Comment: Not observed at significant frequency in large population cohorts (gnomAD); In silico analysis supports that this missense variant has a deleterious effect on protein structure/function; Has not been previously published as pathogenic or benign to our knowledge